The following is an entry in ClinVar:

NM_001211.6(BUB1B):c.1219G>A (p.Val407Ile)

Gene: BUB1B (BUB1 mitotic checkpoint serine/threonine kinase B; plus strand). Cytogenetic location: 15q15.1.
Variant type: single nucleotide variant.
Coding change: c.1219G>A on transcript NM_001211.6 (MANE Select); coding-DNA position 1219, G replaced by A.
Protein change: p.Val407Ile; replaces valine 407 with isoleucine.
Molecular consequence: missense variant.
Genome position (GRCh38, 1-based): chr15:40,196,705, G>A. VCF-style: chr15-40196705-G-A. GRCh37 (hg19) VCF-style: chr15-40488906-G-A.
Other names: short protein forms V407I.
Identifiers: ClinVar variation 3826127 (VCV003826127.1).

ClinVar aggregate classification (germline): Uncertain significance (1 of 4 stars; one submission).

Conditions:
Inborn genetic diseases. Identifiers: MedGen C0950123, MeSH D030342.

gnomAD v4.1: 1 of 1,613,938 alleles (0.000062%); highest among the groups gnomAD compares: South Asian, 0.0011%; no homozygotes.

Submission:

Ambry Genetics
Classification: Uncertain significance for Inborn genetic diseases. Last evaluated: 2025-02-24. Review status: criteria provided, single submitter. Criteria: Ambry Variant Classification Scheme 2023. Collection method: clinical testing. Allele origin: germline.
Comment: The p.V407I variant (also known as c.1219G>A), located in coding exon 9 of the BUB1B gene, results from a G to A substitution at nucleotide position 1219. The valine at codon 407 is replaced by isoleucine, an amino acid with highly similar properties. This amino acid position is conserved. In addition, this alteration is predicted to be tolerated by in silico analysis. Based on the available evidence, the clinical significance of this variant remains unclear.